The following is an entry in ClinVar:

ClinVar aggregate classification (germline): Uncertain significance (1 of 4 stars; one submission).

Conditions:
Hereditary cancer-predisposing syndrome. Also called: Neoplastic Syndromes, Hereditary; Tumor predisposition; Hereditary Cancer Syndrome; Hereditary neoplastic syndrome. Identifiers: Orphanet 140162, MedGen C0027672, MeSH D009386, MONDO:0015356.

Submission:

Ambry Genetics
Classification: Uncertain significance for Hereditary cancer-predisposing syndrome. Last evaluated: 2026-03-12. Review status: criteria provided, single submitter. Criteria: Ambry Variant Classification Scheme 2023. Collection method: clinical testing. Allele origin: germline.
Comment: The p.I525T variant (also known as c.1574T>C), located in coding exon 7 of the BARD1 gene, results from a T to C substitution at nucleotide position 1574. The isoleucine at codon 525 is replaced by threonine, an amino acid with similar properties. This amino acid position is conserved. In addition, the in silico prediction for this alteration is inconclusive. Based on the available evidence, the clinical significance of this variant remains unclear.

NM_000465.4(BARD1):c.1574T>C (p.Ile525Thr)

Gene: BARD1 (BRCA1 associated RING domain 1; minus strand). Cytogenetic location: 2q35.
Variant type: single nucleotide variant.
Coding change: c.1574T>C on transcript NM_000465.4 (MANE Select); coding-DNA position 1574, T replaced by C.
Protein change: p.Ile525Thr; replaces isoleucine 525 with threonine.
Molecular consequence: missense variant. On other transcripts: non-coding transcript variant (3), intron variant (1).
Genome position (GRCh38, 1-based): chr2:214,752,550, A>G on the plus strand (T>C on the coding strand, the complement: BARD1 is on the minus strand). VCF-style: chr2-214752550-A-G. GRCh37 (hg19) VCF-style: chr2-215617274-A-G.
Other names: c.1517T>C, p.Ile506Thr (NM_001282543.2); c.221T>C, p.Ile74Thr (NM_001282545.2); c.164T>C, p.Ile55Thr (NM_001282548.2); c.365-22042T>C (NM_001282549.2); short protein forms I525T, I55T, I506T, I74T.
Identifiers: ClinVar variation 4826593 (VCV004826593.1).